The following is an entry in ClinVar:

NM_007186.6(CEP250):c.2289-7C>A

Genes: CEP250 (centrosomal protein 250; plus strand), CEP250-AS1 (CEP250 antisense RNA 1; minus strand). Cytogenetic location: 20q11.22.
Variant type: single nucleotide variant.
Coding change: c.2289-7C>A on transcript NM_007186.6 (MANE Select); 7 bases into the intron before coding-DNA position 2289, C replaced by A.
Molecular consequence: intron variant.
Genome position (GRCh38, 1-based): chr20:35,479,639, C>A. VCF-style: chr20-35479639-C-A. GRCh37 (hg19) VCF-style: chr20-34067464-C-A.
Other names: c.2289-7C>A (NM_007186.5); c.393-7C>A (NM_001318219.1).
Identifiers: ClinVar variation 1152973 (VCV001152973.12), dbSNP rs200780994, ClinGen allele CA9833159.

ClinVar aggregate classification (germline): Likely benign. Review status: criteria provided, multiple submitters, no conflicts (2 of 4 stars). 3 submissions from 3 submitters: Likely benign (3). Last evaluated 2026-01-08.

Conditions:
CEP250-related disorder. Also called: CEP250-related condition.

Allele frequency attached by ClinVar (database versions not stated): gnomAD exomes 0.00011; ExAC 0.00013; ESP Exome Variant Server 0.00031; TOPMed 0.00044; gnomAD 0.00045 and 0.00046; 1000 Genomes Project 0.00080; 1000 Genomes Project 30x 0.00094.
gnomAD v4.1: 112 of 1,614,008 alleles (0.0069%); highest among the groups gnomAD compares: African/African-American, 0.12%; 1 homozygote.

Submissions (4):

Labcorp Genetics (formerly Invitae), Labcorp
Classification: Likely benign. Last evaluated: 2026-01-08. Review status: criteria provided, single submitter. Criteria: Invitae Variant Classification Sherloc (09022015). Collection method: clinical testing. Allele origin: germline.

PreventionGenetics, part of Exact Sciences
Classification: Likely benign for CEP250-related condition. Last evaluated: 2026-01-02. Review status: criteria provided, single submitter. Criteria: ACMG Guidelines, 2015. Collection method: clinical testing. Allele origin: germline.
Comment: This variant is classified as likely benign based on ACMG/AMP sequence variant interpretation guidelines (Richards et al. 2015 PMID: 25741868, with internal and published modifications).

Blueprint Genetics
Classification: Likely benign. Last evaluated: 2022-07-27. Review status: criteria provided, single submitter. Criteria: ACMG Guidelines, 2015. Collection method: clinical testing. Allele origin: germline.

Dr. Peter K. Rogan Lab, Western University
No classification provided (evidence only). Condition: Familial cancer of breast. Review status: no classification provided. Collection method: in vitro. Allele origin: not applicable. Functional consequence: retained intron. Not counted in ClinVar's aggregate classification.